The following is an entry in ClinVar:

ClinVar aggregate classification (germline): Uncertain significance. Review status: criteria provided, multiple submitters, no conflicts (2 of 4 stars). 2 submissions from 2 submitters: Uncertain significance (2). Last evaluated 2023-12-15.

Conditions:
Familial thoracic aortic aneurysm and aortic dissection (TAAD). Also called: Thoracic aortic aneurysms and dissections. Identifiers: Orphanet 91387, MedGen C4707243, MONDO:0019625.

Submissions (2):

Labcorp Genetics (formerly Invitae), Labcorp
Classification: Uncertain significance for Familial thoracic aortic aneurysm and aortic dissection. Last evaluated: 2023-12-15. Review status: criteria provided, single submitter. Criteria: Invitae Variant Classification Sherloc (09022015). Collection method: clinical testing. Allele origin: germline.
Comment: This sequence change replaces asparagine, which is neutral and polar, with isoleucine, which is neutral and non-polar, at codon 234 of the TGFBR2 protein (p.Asn234Ile). This variant is not present in population databases (gnomAD no frequency). This missense change has been observed in individual(s) with clinical features of TGFBR2-related conditions (Invitae). ClinVar contains an entry for this variant (Variation ID: 213917). Advanced modeling of protein sequence and biophysical properties (such as structural, functional, and spatial information, amino acid conservation, physicochemical variation, residue mobility, and thermodynamic stability) has been performed at Invitae for this missense variant, however the output from this modeling did not meet the statistical confidence thresholds required to predict the impact of this variant on TGFBR2 protein function. In summary, the available evidence is currently insufficient to determine the role of this variant in disease. Therefore, it has been classified as a Variant of Uncertain Significance.

GeneDx
Classification: Uncertain significance. Last evaluated: 2014-01-11. Review status: criteria provided, single submitter. Criteria: GeneDx Variant Classification (06012015). Collection method: clinical testing. Allele origin: germline. Affected: yes.
Comment: p.Asn234Ile (AAC>ATC): c.701 A>T in exon 4 of the TGFBR2 gene (NM_003242.5)The N234I variant in the TGFBR2 gene has not been reported as a disease-causing mutation or as a benign polymorphism to our knowledge. The N234I variant is a non-conservative amino acid substitution as these residues differ in polarity, charge, size and/or other properties and is more likely to impact secondary structure. Although the N234 residue is conserved across species, in silico analysis was inconsistent with regard to the effect this variant may have on the protein structure/function. Nevertheless, the N234I variant was not observed in approximately 6,500 individuals of European and African American ancestry in the NHLBI Exome Sequencing Project, indicating it is not a common benign variant in these populations.With the clinical and molecular information available at this time, we cannot definitively determine if N234I is a disease-causing mutation or a rare benign variant. This variant was found in TAAD

NM_003242.6(TGFBR2):c.701A>T (p.Asn234Ile)

Gene: TGFBR2 (transforming growth factor beta receptor 2; plus strand). Cytogenetic location: 3p24.1.
Variant type: single nucleotide variant.
Coding change: c.701A>T on transcript NM_003242.6 (MANE Select); coding-DNA position 701, A replaced by T.
Protein change: p.Asn234Ile; replaces asparagine 234 with isoleucine.
Molecular consequence: missense variant.
Genome position (GRCh38, 1-based): chr3:30,671,884, A>T. VCF-style: chr3-30671884-A-T. GRCh37 (hg19) VCF-style: chr3-30713376-A-T.
Other names: p.N234I:AAC>ATC; c.776A>T, p.Asn259Ile (NM_001024847.3); c.884A>T, p.Asn295Ile (NM_001407126.1); c.809A>T, p.Asn270Ile (NM_001407127.1); c.728A>T, p.Asn243Ile (NM_001407128.1); c.704A>T, p.Asn235Ile (NM_001407129.1); c.701A>T, p.Asn234Ile (NM_001407130.1); c.596A>T, p.Asn199Ile (NM_001407132.1, NM_001407133.1, NM_001407134.1 and 2 more transcripts); and 2 more; short protein forms N234I, N259I, N139I, N235I, N243I, N114I, N199I, N295I.
Identifiers: ClinVar variation 213917 (VCV000213917.6), dbSNP rs863223840, ClinGen allele CA320151.